The following is an entry in ClinVar:

ClinVar aggregate classification (germline): Uncertain significance (1 of 4 stars; one submission).

Submission:

Labcorp Genetics (formerly Invitae), Labcorp
Classification: Uncertain significance. Last evaluated: 2025-12-17. Review status: criteria provided, single submitter. Criteria: Invitae Variant Classification Sherloc (09022015). Collection method: clinical testing. Allele origin: germline.
Comment: This sequence change replaces phenylalanine, which is neutral and non-polar, with leucine, which is neutral and non-polar, at codon 634 of the PRDM13 protein (p.Phe634Leu). This variant is not present in population databases (gnomAD no frequency). This variant has not been reported in the literature in individuals affected with PRDM13-related conditions. An algorithm developed to predict the effect of missense changes on protein structure and function (PolyPhen-2) suggests that this variant is likely to be tolerated. In summary, the available evidence is currently insufficient to determine the role of this variant in disease. Therefore, it has been classified as a Variant of Uncertain Significance.

NM_021620.4(PRDM13):c.1902C>A (p.Phe634Leu)

Genes: PRDM13 (PR/SET domain 13; plus strand), LOC129996882 (ATAC-STARR-seq lymphoblastoid silent region 17423; plus strand). Cytogenetic location: 6q16.2.
Variant type: single nucleotide variant.
Coding change: c.1902C>A on transcript NM_021620.4 (MANE Select); coding-DNA position 1902, C replaced by A.
Protein change: p.Phe634Leu; replaces phenylalanine 634 with leucine.
Molecular consequence: missense variant.
Genome position (GRCh38, 1-based): chr6:99,614,537, C>A. VCF-style: chr6-99614537-C-A. GRCh37 (hg19) VCF-style: chr6-100062413-C-A.
Other names: short protein forms F634L.
Identifiers: ClinVar variation 4694926 (VCV004694926.1).
Genomic context (GRCh38, chr6:99,614,537, plus strand): 5'-CAATCTCAACAAGCACATCCGGCTGCACGCCGAGGGCAATACGCCCTACCGCTGCGAGTT[C>A]TGCGGCAAGGTACTTGTGCGCCGCCGGGACCTGGAGCGACATGTCAAGTCCCGCCACCCT-3'
Protein context (NP_067633.2, residues 624-644): AEGNTPYRCE[Phe634Leu]CGKVLVRRRD